The following is an entry in ClinVar:

NM_000091.5(COL4A3):c.205G>T (p.Glu69Ter)

Genes: COL4A3 (collagen type IV alpha 3 chain; plus strand), MFF-DT (MFF divergent transcript; minus strand). Cytogenetic location: 2q36.3.
Variant type: single nucleotide variant.
Coding change: c.205G>T on transcript NM_000091.5 (MANE Select); coding-DNA position 205, G replaced by T.
Protein change: p.Glu69Ter; replaces glutamic acid 69 with a stop codon.
Molecular consequence: nonsense.
Genome position (GRCh38, 1-based): chr2:227,240,203, G>T. VCF-style: chr2-227240203-G-T. GRCh37 (hg19) VCF-style: chr2-228104919-G-T.
Other names: short protein forms E69*.
Identifiers: ClinVar variation 684429 (VCV000684429.3), dbSNP rs1574658390, ClinGen allele CA350859524.
Genomic context (GRCh38, chr2:227,240,203, plus strand): 5'-GGGGAGAAGGGCTTTCCTGGACCCCCCGGTTCTCCTGGCCAGAAAGGATTCACAGGTCCT[G>T]AAGGCTTGCCTGGACCGCAGGGACCCAAGGTATGTCATCCTGCAAGCTTGGAAAATCCCC-3'

ClinVar aggregate classification (germline): Likely pathogenic. Review status: criteria provided, single submitter (1 of 4 stars). 2 submissions from 2 submitters: Likely pathogenic (1). 1 of the submissions does not count toward it.

Conditions:
Autosomal dominant Alport syndrome (ATS3A). Also called: Alport syndrome dominant type; Renal failure and sensorineural hearing loss; ALPORT SYNDROME 3A, AUTOSOMAL DOMINANT. Identifiers: Orphanet 63, Orphanet 88918, MedGen C5882663, MONDO:0007086, OMIM 104200.
Alport syndrome 3b, autosomal recessive. Identifiers: MedGen C5882699, MONDO:0957811, OMIM 620536.
Hematuria, benign familial, 2 (BFH2). Identifiers: MedGen C5830421, MONDO:0958186, OMIM 620320.

Allele frequency attached by ClinVar (database versions not stated): gnomAD exomes below 0.00001.
gnomAD v4.1: 2 of 1,611,942 alleles (0.00012%); highest among the groups gnomAD compares: Non-Finnish European, 0.00017%; no homozygotes.

Submissions (2):

Juno Genomics, Hangzhou Juno Genomics, Inc
Classification: Likely pathogenic for Autosomal dominant Alport syndrome; Alport syndrome 3b, autosomal recessive; Hematuria, benign familial, 2. Review status: criteria provided, single submitter. Criteria: ACMG Guidelines, 2015. Collection method: clinical testing. Allele origin: germline.
Comment: Null variant in a gene where loss of function (LOF) is a known mechanism of disease.;Absent from controls (or at extremely low frequency if recessive) in Genome Aggregation Database.

Institute of Human Genetics, Cologne University
Classification: Likely pathogenic for Autosomal dominant Alport syndrome. Review status: no assertion criteria provided. Collection method: clinical testing. Allele origin: germline. Affected: yes. Not counted in ClinVar's aggregate classification.